The following is an entry in ClinVar:

ClinVar aggregate classification (germline): Uncertain significance (1 of 4 stars; one submission).

Conditions:
Congenital heart defects and skeletal malformations syndrome. Identifiers: Orphanet 643503, MedGen C4539857, MONDO:0060532, OMIM 617602.

Submission:

Diagnostics Services (NGS), CSIR - Centre For Cellular And Molecular Biology
Classification: Uncertain significance for Congenital heart defects and skeletal malformations syndrome. Last evaluated: 2022-11-28. Review status: criteria provided, single submitter. Criteria: ACMG Guidelines, 2015. Collection method: clinical testing. Allele origin: unknown. Affected: yes. Observed: 1 variant allele, 1 heterozygote.
Comment: The c.1506C>G variant is not present in publicly available population databases like 1000 Genomes, EVS, ExAC, gnomAD, Indian Exome Database or our in-house exome database. The variant was neither published nor reported to clinical databases like ClinVar, Human Genome Mutation Database (HGMD) or OMIM, in similarly affected individuals. In silico pathogenicity prediction programs like SIFT, PolyPhen2, MutationTaster2, CADD etc predicted this variant to be likely deleterious, however these predictions were not confirmed by any published functional studies.

NM_005157.6(ABL1):c.1506C>G (p.Ile502Met)

Gene: ABL1 (ABL proto-oncogene 1, non-receptor tyrosine kinase; plus strand). Cytogenetic location: 9q34.12.
Variant type: single nucleotide variant.
Coding change: c.1506C>G on transcript NM_005157.6 (MANE Select); coding-DNA position 1506, C replaced by G.
Protein change: p.Ile502Met; replaces isoleucine 502 with methionine.
Molecular consequence: missense variant.
Genome position (GRCh38, 1-based): chr9:130,880,150, C>G. VCF-style: chr9-130880150-C-G. GRCh37 (hg19) VCF-style: chr9-133755537-C-G.
Other names: c.1563C>G, p.Ile521Met (NM_007313.3); short protein forms I502M, I521M.
Identifiers: ClinVar variation 1802274 (VCV001802274.3), dbSNP rs771282386, ClinGen allele CA375251718.